The following is an entry in ClinVar:

ClinVar aggregate classification (germline): Uncertain significance (1 of 4 stars; one submission).

Allele frequency attached by ClinVar (database versions not stated): gnomAD 0.00001; ExAC 0.00007.
gnomAD v4.1: 26 of 1,573,062 alleles (0.0017%); highest among the groups gnomAD compares: South Asian, 0.026%; no homozygotes.

Submission:

Women's Health and Genetics/Laboratory Corporation of America, LabCorp
Classification: Uncertain significance. Last evaluated: 2023-09-06. Review status: criteria provided, single submitter. Criteria: LabCorp Variant Classification Summary - May 2015. Collection method: clinical testing. Allele origin: germline.
Comment: Variant summary: POLG c.394G>C (p.Gly132Arg) results in a non-conservative amino acid change located in the DNA mitochondrial polymerase, exonuclease domain (IPR041336) of the encoded protein sequence. Five of five in-silico tools predict a damaging effect of the variant on protein function. The variant allele was found at a frequency of 2.2e-05 in 181886 control chromosomes (gnomAD). The available data on variant occurrences in the general population are insufficient to allow any conclusion about variant significance. c.394G>C has been reported in the literature in two heterozygous siblings affected with chronic progressive external ophthalmoplegia (example: Deepha_2021). Muscle biopsy from one of these patients showed characteristic features of mitochondrial myopathy with 15% COX deficient fibers and multiple mtDNA deletions in muscle DNA. This report does not provide unequivocal conclusions about association of the variant with Mitochondrial DNA Depletion Syndrome - POLG Related. The following publication has been ascertained in the context of this evaluation (PMID: 33469851). No submitters have cited clinical-significance assessments for this variant to ClinVar after 2014. Based on the evidence outlined above, the variant was classified as uncertain significance.

Literature cited by the submitters: PubMed 33469851.

NM_002693.3(POLG):c.394G>C (p.Gly132Arg)

Genes: POLG (DNA polymerase gamma, catalytic subunit; minus strand), POLGARF (POLG alternative reading frame; minus strand). Cytogenetic location: 15q26.1.
Variant type: single nucleotide variant.
Coding change: c.394G>C on transcript NM_002693.3 (MANE Select); coding-DNA position 394, G replaced by C.
Protein change: p.Gly132Arg; replaces glycine 132 with arginine.
Molecular consequence: missense variant.
Genome position (GRCh38, 1-based): chr15:89,333,361, C>G on the plus strand (G>C on the coding strand, the complement: POLG is on the minus strand). VCF-style: chr15-89333361-C-G. GRCh37 (hg19) VCF-style: chr15-89876592-C-G.
Other names: c.394G>C, p.Gly132Arg (NM_001126131.2); short protein forms G132R.
Identifiers: ClinVar variation 2627128 (VCV002627128.1), dbSNP rs758615496, ClinGen allele CA7725121.
Genomic context (GRCh38, chr15:89,333,361, plus strand): 5'-CCAGGTAGGGCAGGCTCTGCTTCTGGGCCAGGAGGCGGAAGTGCTGGTCCAGGTTGTCCC[C>G]GTAGAGGGGCGGCAGGCGCAGCTCCACGTCGGGCAAGGGCACGGCTGGCTGCCCCCAGAG-3'
Protein context (NP_002684.1, residues 122-142): DVELRLPPLY[Gly132Arg]DNLDQHFRLL